The following is an entry in ClinVar:

NM_005862.3(STAG1):c.1919A>G (p.Tyr640Cys)

Gene: STAG1 (STAG1 cohesin complex component; minus strand). Cytogenetic location: 3q22.3.
Variant type: single nucleotide variant.
Coding change: c.1919A>G on transcript NM_005862.3 (MANE Select); coding-DNA position 1919, A replaced by G.
Protein change: p.Tyr640Cys; replaces tyrosine 640 with cysteine.
Molecular consequence: missense variant.
Genome position (GRCh38, 1-based): chr3:136,422,528, T>C on the plus strand (A>G on the coding strand, the complement: STAG1 is on the minus strand). VCF-style: chr3-136422528-T-C. GRCh37 (hg19) VCF-style: chr3-136141370-T-C.
Other names: short protein forms Y640C.
Identifiers: ClinVar variation 1032365 (VCV001032365.1), dbSNP rs773332391, ClinGen allele CA2632767.

ClinVar aggregate classification (germline): Uncertain significance (1 of 4 stars; one submission).

Conditions:
Intellectual developmental disorder, autosomal dominant 47. Also called: Intellectual disability, autosomal dominant 47; MENTAL RETARDATION, AUTOSOMAL DOMINANT 47. Identifiers: Orphanet 502434, MedGen C4539951, MONDO:0030912, OMIM 617635.

Allele frequency attached by ClinVar (database versions not stated): gnomAD exomes below 0.00001 and 0.00001; ExAC 0.00001.
gnomAD v4.1: 7 of 1,614,088 alleles (0.00043%); highest among the groups gnomAD compares: East Asian, 0.0045%; no homozygotes.

Submission:

Baylor Genetics
Classification: Uncertain significance for Intellectual developmental disorder, autosomal dominant 47. Last evaluated: 2018-03-16. Review status: criteria provided, single submitter. Criteria: ACMG Guidelines, 2015. Collection method: clinical testing. Allele origin: maternal. Affected: yes.
Comment: This variant was determined to be of uncertain significance according to ACMG Guidelines, 2015 [PMID:25741868].